The following is an entry in ClinVar:

ClinVar aggregate classification (germline): Uncertain significance. Review status: criteria provided, multiple submitters, no conflicts (2 of 4 stars). 2 submissions from 2 submitters: Uncertain significance (2). Last evaluated 2024-07-16.

Conditions:
Hereditary cancer-predisposing syndrome. Also called: Hereditary Cancer Syndrome; Hereditary neoplastic syndrome; Neoplastic Syndromes, Hereditary; Tumor predisposition. Identifiers: Orphanet 140162, MedGen C0027672, MeSH D009386, MONDO:0015356.
Hereditary nonpolyposis colorectal neoplasms. Identifiers: MedGen C0009405, MeSH D003123.

Submissions (2):

Ambry Genetics
Classification: Uncertain significance for Hereditary cancer-predisposing syndrome. Last evaluated: 2024-07-16. Review status: criteria provided, single submitter. Criteria: Ambry Variant Classification Scheme 2023. Collection method: clinical testing. Allele origin: germline.
Comment: The p.S51R variant (also known as c.151A>C), located in coding exon 1 of the MSH6 gene, results from an A to C substitution at nucleotide position 151. The serine at codon 51 is replaced by arginine, an amino acid with dissimilar properties. This amino acid position is not well conserved in available vertebrate species. In addition, this alteration is predicted to be tolerated by in silico analysis. Based on the available evidence, the clinical significance of this variant remains unclear.

Labcorp Genetics (formerly Invitae), Labcorp
Classification: Uncertain significance for Hereditary nonpolyposis colorectal neoplasms. Last evaluated: 2021-12-31. Review status: criteria provided, single submitter. Criteria: Invitae Variant Classification Sherloc (09022015). Collection method: clinical testing. Allele origin: germline.
Comment: Advanced modeling of protein sequence and biophysical properties (such as structural, functional, and spatial information, amino acid conservation, physicochemical variation, residue mobility, and thermodynamic stability) performed at Invitae indicates that this missense variant is not expected to disrupt MSH6 protein function. In summary, the available evidence is currently insufficient to determine the role of this variant in disease. Therefore, it has been classified as a Variant of Uncertain Significance. This variant has not been reported in the literature in individuals affected with MSH6-related conditions. This variant is not present in population databases (gnomAD no frequency). This sequence change replaces serine, which is neutral and polar, with arginine, which is basic and polar, at codon 51 of the MSH6 protein (p.Ser51Arg).

NM_000179.3(MSH6):c.151A>C (p.Ser51Arg)

Gene: MSH6 (mutS homolog 6; plus strand). Cytogenetic location: 2p16.3.
Variant type: single nucleotide variant.
Coding change: c.151A>C on transcript NM_000179.3 (MANE Select); coding-DNA position 151, A replaced by C.
Protein change: p.Ser51Arg; replaces serine 51 with arginine.
Molecular consequence: missense variant. On other transcripts: 5 prime UTR variant (1), synonymous variant (1).
Genome position (GRCh38, 1-based): chr2:47,783,384, A>C. VCF-style: chr2-47783384-A-C. GRCh37 (hg19) VCF-style: chr2-48010523-A-C.
Other names: c.151A>C, p.Ser51Arg (NM_001281492.2, NM_001406795.1, NM_001406796.1 and 9 more transcripts); c.-586A>C (NM_001281493.2, NM_001406811.1); c.-178A>C (NM_001406799.1); c.96A>C, p.Gly32= (NM_001406804.1); c.-778A>C (NM_001406807.1); c.-433A>C (NM_001406812.1); c.-844A>C (NM_001406814.1); c.-389A>C (NM_001406816.1); short protein forms S51R.
Identifiers: ClinVar variation 1774384 (VCV001774384.8), dbSNP rs1553408276, ClinGen allele CA346734939.
Genomic context (GRCh38, chr2:47,783,384, plus strand): 5'-GGCGGCCGTGCCGCCGCTGCCCCCGGGGCCTCTCCTTCCCCAGGCGGGGATGCGGCCTGG[A>C]GCGAGGCTGGGCCTGGGCCCAGGCCCTTGGCGCGCTCCGCGTCACCGCCCAAGGCGAAGA-3'
Protein context (NP_000170.1, residues 41-61): SPSPGGDAAW[Ser51Arg]EAGPGPRPLA